The following is an entry in ClinVar:

ClinVar aggregate classification (germline): Conflicting classifications of pathogenicity. Review status: criteria provided, conflicting classifications (1 of 4 stars). 7 submissions from 6 submitters: Uncertain significance (6); Likely benign (1). Last evaluated 2026-01-21.

Conditions:
Colorectal cancer, susceptibility to, 12 (CRCS12). Also called: COLORECTAL CANCER, SUSCEPTIBILITY TO, ON CHROMOSOME 12q24. Identifiers: Orphanet 220460, MedGen C3554460, MONDO:0014038, OMIM 615083.
Facial dysmorphism-immunodeficiency-livedo-short stature syndrome. Also called: Facial dysmorphism, immunodeficiency, livedo, and short stature; FILS syndrome. Identifiers: Orphanet 352712, MedGen C3554576, MONDO:0014058, OMIM 615139.
Intrauterine growth retardation, metaphyseal dysplasia, adrenal hypoplasia congenita, genital anomalies, and immunodeficiency. Also called: IMAGEI SYNDROME. Identifiers: MedGen C5193036, MONDO:0032684, OMIM 618336.
Hereditary cancer-predisposing syndrome. Also called: Neoplastic Syndromes, Hereditary; Tumor predisposition; Hereditary Cancer Syndrome; Hereditary neoplastic syndrome. Identifiers: Orphanet 140162, MedGen C0027672, MeSH D009386, MONDO:0015356.

Allele frequency attached by ClinVar (database versions not stated): gnomAD 0.00002 and 0.00003; gnomAD exomes 0.00003 and 0.00008; TOPMed 0.00003; ExAC 0.00007; 1000 Genomes Project 30x 0.00016; 1000 Genomes Project 0.00020.

Submissions (7):

Labcorp Genetics (formerly Invitae), Labcorp
Classification: Uncertain significance. Last evaluated: 2026-01-21. Review status: criteria provided, single submitter. Criteria: Invitae Variant Classification Sherloc (09022015). Collection method: clinical testing. Allele origin: germline.
Comment: This sequence change replaces arginine, which is basic and polar, with glutamine, which is neutral and polar, at codon 1233 of the POLE protein (p.Arg1233Gln). This variant is present in population databases (rs201738371, gnomAD 0.05%). This variant has not been reported in the literature in individuals affected with POLE-related conditions. ClinVar contains an entry for this variant (Variation ID: 473616). Invitae Evidence Modeling of protein sequence and biophysical properties (such as structural, functional, and spatial information, amino acid conservation, physicochemical variation, residue mobility, and thermodynamic stability) indicates that this missense variant is not expected to disrupt POLE protein function with a negative predictive value of 80%. In summary, the available evidence is currently insufficient to determine the role of this variant in disease. Therefore, it has been classified as a Variant of Uncertain Significance.

Ambry Genetics
Classification: Uncertain significance for Hereditary cancer-predisposing syndrome. Last evaluated: 2024-12-13. Review status: criteria provided, single submitter. Criteria: Ambry Variant Classification Scheme 2023. Collection method: clinical testing. Allele origin: germline.
Comment: The p.R1233Q variant (also known as c.3698G>A), located in coding exon 30 of the POLE gene, results from a G to A substitution at nucleotide position 3698. The arginine at codon 1233 is replaced by glutamine, an amino acid with highly similar properties. This amino acid position is highly conserved in available vertebrate species. In addition, the in silico prediction for this alteration is inconclusive. Based on the available evidence, the clinical significance of this variant remains unclear.

GeneDx
Classification: Uncertain significance. Last evaluated: 2024-07-12. Review status: criteria provided, single submitter. Criteria: GeneDx Variant Classification Process June 2021. Collection method: clinical testing. Allele origin: germline. Affected: yes.
Comment: In silico analysis supports that this missense variant has a deleterious effect on protein structure/function; Has not been previously published as pathogenic or benign to our knowledge

Fulgent Genetics
Classification: Uncertain significance for Colorectal cancer, susceptibility to, 12; Facial dysmorphism-immunodeficiency-livedo-short stature syndrome; Intrauterine growth retardation, metaphyseal dysplasia, adrenal hypoplasia congenita, genital anomalies, and immunodeficiency. Last evaluated: 2024-01-26. Review status: criteria provided, single submitter. Criteria: ACMG Guidelines, 2015. Collection method: clinical testing. Allele origin: germline.

Baylor Genetics
Classification: Uncertain significance for Intrauterine growth retardation, metaphyseal dysplasia, adrenal hypoplasia congenita, genital anomalies, and immunodeficiency. Last evaluated: 2021-01-13. Review status: criteria provided, single submitter. Criteria: ACMG Guidelines, 2015. Collection method: clinical testing. Allele origin: unknown. Affected: yes. Study: CSER-TexasKidsCanSeq.
Comment: This variant was determined to be of uncertain significance according to ACMG Guidelines, 2015 [PMID:25741868].

Women's Health and Genetics/Laboratory Corporation of America, LabCorp
Classification: Likely benign. Last evaluated: 2019-10-28. Review status: criteria provided, single submitter. Criteria: LabCorp Variant Classification Summary - May 2015. Collection method: clinical testing. Allele origin: germline.
Comment: Variant summary: POLE c.3698G>A (p.Arg1233Gln) results in a conservative amino acid change in the encoded protein sequence. Four of five in-silico tools predict a benign effect of the variant on protein function. The variant allele was found at a frequency of 7.6e-05 in 251428 control chromosomes. The observed variant frequency is approximately 5.3 fold of the estimated maximal expected allele frequency for a pathogenic variant in POLE causing Colorectal Cancer phenotype (1.4e-05), strongly suggesting that the variant is benign. To our knowledge, no occurrence of c.3698G>A in individuals affected with Colorectal Cancer and no experimental evidence demonstrating its impact on protein function have been reported. Two clinical diagnostic laboratories have submitted clinical-significance assessments for this variant to ClinVar after 2014 without evidence for independent evaluation. All laboratories classified the variant as uncertain significance. Based on the evidence outlined above, the variant was classified as likely benign.

Baylor Genetics
Classification: Uncertain significance for Colorectal cancer, susceptibility to, 12. Last evaluated: 2019-09-12. Review status: criteria provided, single submitter. Criteria: ACMG Guidelines, 2015. Collection method: clinical testing. Allele origin: maternal. Affected: yes. Study: CSER-TexasKidsCanSeq.
Comment: the same text as in the submission from Baylor Genetics above.

NM_006231.4(POLE):c.3698G>A (p.Arg1233Gln)

Gene: POLE (DNA polymerase epsilon, catalytic subunit; minus strand). Cytogenetic location: 12q24.33.
Variant type: single nucleotide variant.
Coding change: c.3698G>A on transcript NM_006231.4 (MANE Select); coding-DNA position 3698, G replaced by A.
Protein change: p.Arg1233Gln; replaces arginine 1233 with glutamine.
Molecular consequence: missense variant.
Genome position (GRCh38, 1-based): chr12:132,649,774, C>T on the plus strand (G>A on the coding strand, the complement: POLE is on the minus strand). VCF-style: chr12-132649774-C-T. GRCh37 (hg19) VCF-style: chr12-133226360-C-T.
Other names: short protein forms R1233Q.
Identifiers: ClinVar variation 473616 (VCV000473616.23), dbSNP rs201738371, ClinGen allele CA6893135.